The following is an entry in ClinVar:

ClinVar aggregate classification (germline): Benign/Likely benign. Review status: criteria provided, multiple submitters, no conflicts (2 of 4 stars). 2 submissions from 2 submitters: Benign (1); Likely benign (1). Last evaluated 2026-06-23.

Conditions:
Retinoblastoma (RB1). Also called: RETINOBLASTOMA, SOMATIC. Identifiers: Orphanet 790, MedGen C0035335, MeSH D012175, MONDO:0008380, OMIM 180200, HP:0009919. Disease mechanism: loss of function. Inheritance: Both sporadic and heritable forms are tested..

Allele frequency attached by ClinVar (database versions not stated): ESP Exome Variant Server 0.00023; gnomAD 0.00005; TOPMed 0.00005; gnomAD exomes 0.00006 and 0.00003; ExAC 0.00002.
gnomAD v4.1: 95 of 1,589,614 alleles (0.006%); highest among the groups gnomAD compares: Non-Finnish European, 0.0076%; no homozygotes.

Submissions (2):

Myriad Genetics, Inc.
Classification: Benign for Retinoblastoma. Last evaluated: 2026-06-23. Review status: criteria provided, single submitter. Criteria: Myriad Autosomal Dominant, Autosomal Recessive and X-Linked Classification Criteria (2023). Collection method: clinical testing. Allele origin: unknown.
Comment: This variant is considered benign. This variant is intronic and is not expected to impact mRNA splicing. This variant has been observed at a population frequency that is significantly greater than expected given the associated disease prevalence and penetrance.

Labcorp Genetics (formerly Invitae), Labcorp
Classification: Likely benign for Retinoblastoma. Last evaluated: 2025-11-25. Review status: criteria provided, single submitter. Criteria: Invitae Variant Classification Sherloc (09022015). Collection method: clinical testing. Allele origin: germline.

NM_000321.3(RB1):c.138-20T>C

Gene: RB1 (RB transcriptional corepressor 1; plus strand). Cytogenetic location: 13q14.2.
Variant type: single nucleotide variant.
Coding change: c.138-20T>C on transcript NM_000321.3 (MANE Select); 20 bases into the intron before coding-DNA position 138, T replaced by C.
Molecular consequence: intron variant.
Genome position (GRCh38, 1-based): chr13:48,307,260, T>C. VCF-style: chr13-48307260-T-C. GRCh37 (hg19) VCF-style: chr13-48881396-T-C.
Identifiers: ClinVar variation 1464321 (VCV001464321.9), dbSNP rs376775524, ClinGen allele CA028335.